The following is an entry in ClinVar:

NM_145059.3(FCSK):c.1428_1429inv (p.Glu477Lys)

Gene: FCSK (fucose kinase; plus strand). Cytogenetic location: 16q22.1.
Variant type: Inversion.
Coding change: c.1428_1429inv on transcript NM_145059.3 (MANE Select).
Protein change: p.Glu477Lys; replaces glutamic acid 477 with lysine.
Molecular consequence: missense variant.
Genome position: GRCh38 VCF-style: chr16-70473004-TG-CA. GRCh37 (hg19) VCF-style: chr16-70506907-TG-CA.
Other names: short protein forms E477K.
Identifiers: ClinVar variation 2955630 (VCV002955630.3), ClinGen allele CA2740093410.

ClinVar aggregate classification (germline): Uncertain significance (1 of 4 stars; one submission).

Submission:

Labcorp Genetics (formerly Invitae), Labcorp
Classification: Uncertain significance. Last evaluated: 2024-01-25. Review status: criteria provided, single submitter. Criteria: Invitae Variant Classification Sherloc (09022015). Collection method: clinical testing. Allele origin: germline.
Comment: This sequence change replaces glutamic acid, which is acidic and polar, with lysine, which is basic and polar, at codon 477 of the FUK protein (p.Glu477Lys). Information on the frequency of this variant in the gnomAD database is not available, as this variant may be reported differently in the database. This variant has not been reported in the literature in individuals affected with FUK-related conditions. Experimental studies and prediction algorithms are not available or were not evaluated, and the functional significance of this variant is currently unknown. In summary, the available evidence is currently insufficient to determine the role of this variant in disease. Therefore, it has been classified as a Variant of Uncertain Significance.